The following is an entry in ClinVar:

NM_001385125.1(OPN1SW):c.283G>A (p.Gly95Arg)

Gene: OPN1SW (opsin 1, short wave sensitive; minus strand). Cytogenetic location: 7q32.1.
Variant type: single nucleotide variant.
Coding change: c.283G>A on transcript NM_001385125.1 (MANE Select); coding-DNA position 283, G replaced by A.
Protein change: p.Gly95Arg; replaces glycine 95 with arginine.
Molecular consequence: missense variant.
Genome position (GRCh38, 1-based): chr7:128,775,499, C>T on the plus strand (G>A on the coding strand, the complement: OPN1SW is on the minus strand). VCF-style: chr7-128775499-C-T. GRCh37 (hg19) VCF-style: chr7-128415553-C-T.
Other names: NM_001708.2:c.292G>A; short protein forms G95R.
Identifiers: ClinVar variation 1369455 (VCV001369455.7), dbSNP rs747403571, ClinGen allele CA4473002.
Genomic context (GRCh38, chr7:128,775,499, plus strand): 5'-CTGCTACAGTGCCCAGGAAGCCCTCCAAAGCACAAACATGGCGACCGAAGACGAAGTATC[C>T]GTTACAGCTGGCGACGAAGACAGGGAAGACAGAGAAGATGCAGAGGAGGAAGCCTCCGAA-3'
Protein context (NP_001372054.1, residues 85-105): VFPVFVASCN[Gly95Arg]YFVFGRHVCA

ClinVar aggregate classification (germline): Uncertain significance. Review status: criteria provided, multiple submitters, no conflicts (2 of 4 stars). 2 submissions from 2 submitters: Uncertain significance (2). Last evaluated 2025-03-09.

Allele frequency attached by ClinVar (database versions not stated): gnomAD exomes 0.00001 and 0.00002; ExAC 0.00002; gnomAD 0.00003 and 0.00004; TOPMed 0.00005.

Submissions (2):

Ambry Genetics
Classification: Uncertain significance. Last evaluated: 2025-03-09. Review status: criteria provided, single submitter. Criteria: Ambry Variant Classification Scheme 2023. Collection method: clinical testing. Allele origin: germline.

Labcorp Genetics (formerly Invitae), Labcorp
Classification: Uncertain significance. Last evaluated: 2024-11-13. Review status: criteria provided, single submitter. Criteria: Invitae Variant Classification Sherloc (09022015). Collection method: clinical testing. Allele origin: germline.
Comment: This sequence change replaces glycine, which is neutral and non-polar, with arginine, which is basic and polar, at codon 98 of the OPN1SW protein (p.Gly98Arg). This variant is present in population databases (rs747403571, gnomAD 0.01%). This variant has not been reported in the literature in individuals affected with OPN1SW-related conditions. ClinVar contains an entry for this variant (Variation ID: 1369455). An algorithm developed to predict the effect of missense changes on protein structure and function (PolyPhen-2) suggests that this variant is likely to be disruptive. In summary, the available evidence is currently insufficient to determine the role of this variant in disease. Therefore, it has been classified as a Variant of Uncertain Significance.